The following is an entry in ClinVar:

NM_001256715.2(DNAAF3):c.661G>A (p.Gly221Arg)

Genes: DNAAF3 (dynein axonemal assembly factor 3; minus strand), DNAAF3-AS1 (DNAAF3 antisense RNA 1; plus strand). Cytogenetic location: 19q13.42.
Variant type: single nucleotide variant.
Coding change: c.661G>A on transcript NM_001256715.2 (MANE Select); coding-DNA position 661, G replaced by A.
Protein change: p.Gly221Arg; replaces glycine 221 with arginine.
Molecular consequence: missense variant.
Genome position (GRCh38, 1-based): chr19:55,161,645, C>T on the plus strand (G>A on the coding strand, the complement: DNAAF3 is on the minus strand). VCF-style: chr19-55161645-C-T. GRCh37 (hg19) VCF-style: chr19-55673013-C-T.
Other names: c.499G>A, p.Gly167Arg (NM_001256716.2); c.802G>A, p.Gly268Arg (NM_178837.4); c.865G>A, p.Gly289Arg (NM_001256714.1); short protein forms G268R, G289R, G221R, G167R.
Identifiers: ClinVar variation 569068 (VCV000569068.17), dbSNP rs1302666486, ClinGen allele CA407454226.

ClinVar aggregate classification (germline): Uncertain significance. Review status: criteria provided, multiple submitters, no conflicts (2 of 4 stars). 2 submissions from 2 submitters: Uncertain significance (2). Last evaluated 2022-02-11.

Conditions:
Primary ciliary dyskinesia. Also called: Ciliary dyskinesia. Identifiers: Orphanet 244, MedGen C0008780, MONDO:0016575, HP:0012265.

Allele frequency attached by ClinVar (database versions not stated): gnomAD 0.00001; gnomAD exomes 0.00001; TOPMed 0.00002.
gnomAD v4.1: 13 of 1,535,684 alleles (0.00085%); highest among the groups gnomAD compares: Non-Finnish European, 0.001%; no homozygotes.

Submissions (2):

Labcorp Genetics (formerly Invitae), Labcorp
Classification: Uncertain significance for Primary ciliary dyskinesia. Last evaluated: 2022-02-11. Review status: criteria provided, single submitter. Criteria: Invitae Variant Classification Sherloc (09022015). Collection method: clinical testing. Allele origin: germline.
Comment: This sequence change replaces glycine, which is neutral and non-polar, with arginine, which is basic and polar, at codon 289 of the DNAAF3 protein (p.Gly289Arg). This variant is not present in population databases (gnomAD no frequency). This variant has not been reported in the literature in individuals affected with DNAAF3-related conditions. ClinVar contains an entry for this variant (Variation ID: 569068). Algorithms developed to predict the effect of missense changes on protein structure and function are either unavailable or do not agree on the potential impact of this missense change (SIFT: "Deleterious"; PolyPhen-2: "Possibly Damaging"; Align-GVGD: "Class C15"). Algorithms developed to predict the effect of sequence changes on RNA splicing suggest that this variant may create or strengthen a splice site. In summary, the available evidence is currently insufficient to determine the role of this variant in disease. Therefore, it has been classified as a Variant of Uncertain Significance.

Ambry Genetics
Classification: Uncertain significance for Primary ciliary dyskinesia. Last evaluated: 2021-10-19. Review status: criteria provided, single submitter. Criteria: Ambry Variant Classification Scheme 2023. Collection method: clinical testing. Allele origin: germline.
Comment: The p.G289R variant (also known as c.865G>A), located in coding exon 6 of the DNAAF3 gene, results from a G to A substitution at nucleotide position 865. The glycine at codon 289 is replaced by arginine, an amino acid with dissimilar properties. This amino acid position is conserved. In addition, this alteration is predicted to be tolerated by in silico analysis. Since supporting evidence is limited at this time, the clinical significance of this alteration remains unclear.